The following is an entry in ClinVar:

ClinVar aggregate classification (germline): Uncertain significance (1 of 4 stars; one submission).

Submission:

GeneDx
Classification: Uncertain significance. Last evaluated: 2022-03-18. Review status: criteria provided, single submitter. Criteria: GeneDx Variant Classification Process June 2021. Collection method: clinical testing. Allele origin: germline. Affected: yes.
Comment: Not observed at significant frequency in large population cohorts (gnomAD); In silico analysis supports that this missense variant does not alter protein structure/function; Has not been previously published as pathogenic or benign to our knowledge; In-silico analysis is inconclusive as to whether the variant alters gene splicing. In the absence of RNA/functional studies, the actual effect of this sequence change is unknown.

NM_001999.4(FBN2):c.6645T>A (p.Asp2215Glu)

Gene: FBN2 (fibrillin 2; minus strand). Cytogenetic location: 5q23.3.
Variant type: single nucleotide variant.
Coding change: c.6645T>A on transcript NM_001999.4 (MANE Select); coding-DNA position 6645, T replaced by A.
Protein change: p.Asp2215Glu; replaces aspartic acid 2215 with glutamic acid.
Molecular consequence: missense variant.
Genome position (GRCh38, 1-based): chr5:128,288,550, A>T on the plus strand (T>A on the coding strand, the complement: FBN2 is on the minus strand). VCF-style: chr5-128288550-A-T. GRCh37 (hg19) VCF-style: chr5-127624242-A-T.
Other names: short protein forms D2215E.
Identifiers: ClinVar variation 1344919 (VCV001344919.2), dbSNP rs2126818736, ClinGen allele CA360760630.
Genomic context (GRCh38, chr5:128,288,550, plus strand): 5'-AAAACTCCCAATAACATTGGTGCATGTACCATTTCCACACGGATTGCCGATTGAACACTC[A>T]TCAGTATCTGAAAAAGAAGAATAAGAAACTGCCACAAAGATGTTTTAGTTTAACAGGAGA-3'
Protein context (NP_001990.2, residues 2205-2225): DYTGVRCVDT[Asp2215Glu]ECSIGNPCGN